The following is an entry in ClinVar:

ClinVar aggregate classification (germline): Pathogenic (1 of 4 stars; one submission).

Conditions:
Mucopolysaccharidosis, MPS-II (MPS2). Also called: Hunter Syndrome; IDURONATE 2-SULFATASE DEFICIENCY; Mucopolysaccharidosis Type II; Mucopolysaccharidosis type 2; Attenuated MPS (subtype; formerly known as mild MPS II); Severe MPS II. Identifiers: Orphanet 580, Orphanet 79388, MedGen C0026705, MONDO:0010674, OMIM 309900.

Submission:

Laboratory of Diagnosis and Therapy of Lysosomal Disorders, University of Padova
Classification: Pathogenic for Mucopolysaccharidosis, MPS-II. Last evaluated: 2024-06-07. Review status: criteria provided, single submitter. Criteria: ACMG Guidelines, 2015. Collection method: literature only. Allele origin: germline. Affected: yes. Observed: 5 variant alleles.
Comment: Null variant (PVS1_VeryStrong), Prevalence of the variant significantly increased in affected individuals compared with controls (PS4_Supporting), Absent from controls (or at low frequency) in gnomAD database (PM2_Moderate), Patient’s phenotype or family history highly specific for the disease (PP4_Moderate)

Classification method: ACMG Guidelines [PMID:25741868] with modifications

Literature cited by the submitters: PubMed 27883178; PubMed 22976768; PubMed 33676511; PubMed 32775211.

NM_000202.8(IDS):c.1010G>A (p.Trp337Ter)

Genes: IDS (iduronate 2-sulfatase; minus strand), LOC106050102 (IDS recombination region; plus strand). Cytogenetic location: Xq28.
Variant type: single nucleotide variant.
Coding change: c.1010G>A on transcript NM_000202.8 (MANE Select); coding-DNA position 1010, G replaced by A.
Protein change: p.Trp337Ter; replaces tryptophan 337 with a stop codon.
Molecular consequence: nonsense.
Genome position (GRCh38, 1-based): chrX:149,487,095, C>T on the plus strand (G>A on the coding strand, the complement: IDS is on the minus strand). VCF-style: chrX-149487095-C-T. GRCh37 (hg19) VCF-style: chrX-148568626-C-T.
Other names: c.740G>A, p.Trp247Ter (NM_001166550.4); short protein forms W247*, W337*.
Identifiers: ClinVar variation 3255918 (VCV003255918.2).